The following is an entry in ClinVar:

NM_001042492.3(NF1):c.6922-5G>A

Gene: NF1 (neurofibromin 1; plus strand). Cytogenetic location: 17q11.2.
Variant type: single nucleotide variant.
Coding change: c.6922-5G>A on transcript NM_001042492.3 (MANE Select); 5 bases into the intron before coding-DNA position 6922, G replaced by A.
Molecular consequence: intron variant.
Genome position (GRCh38, 1-based): chr17:31,340,500, G>A. VCF-style: chr17-31340500-G-A. GRCh37 (hg19) VCF-style: chr17-29667518-G-A.
Other names: c.6859-5G>A (NM_000267.4).
Identifiers: ClinVar variation 527678 (VCV000527678.7), dbSNP rs1555535158, ClinGen allele CA658798773.
Genomic context (GRCh38, chr17:31,340,500, plus strand): 5'-GTGTGTTTTGAAAGAGACTATGTCATGATTCATCTTACTAGCCTCAAACATATCTTCTTT[G>A]CCAGGACTCGCCTCTGCACAAAGCCCTCTTTTGGGTAGCTGTGGCTGTGCTGCAGCTTGA-3'

ClinVar aggregate classification (germline): Conflicting classifications of pathogenicity. Review status: criteria provided, conflicting classifications (1 of 4 stars). 2 submissions from 2 submitters: Uncertain significance (1); Likely benign (1). Last evaluated 2025-04-29.

Conditions:
Cardiovascular phenotype. Identifiers: MedGen CN230736.
Hereditary cancer-predisposing syndrome. Also called: Neoplastic Syndromes, Hereditary; Tumor predisposition; Hereditary neoplastic syndrome; Hereditary Cancer Syndrome. Identifiers: Orphanet 140162, MedGen C0027672, MeSH D009386, MONDO:0015356.
Neurofibromatosis, type 1 (NF1). Also called: VON RECKLINGHAUSEN DISEASE; NEUROFIBROMATOSIS, TYPE I, SOMATIC; Peripheral type neurofibromatosis; Neurofibromatosis, type I. Identifiers: Orphanet 636, MedGen C0027831, MONDO:0018975, OMIM 162200. Disease mechanism: loss of function.

Submissions (2):

Ambry Genetics
Classification: Uncertain significance for Cardiovascular phenotype; Hereditary cancer-predisposing syndrome. Last evaluated: 2025-04-29. Review status: criteria provided, single submitter. Criteria: Ambry Variant Classification Scheme 2023. Collection method: clinical testing. Allele origin: germline.
Comment: The c.6859-5G>A intronic variant results from a G to A substitution 5 nucleotides upstream from coding exon 46 in the NF1 gene. This nucleotide position is not well conserved in available vertebrate species. In silico splice site analysis predicts that this alteration will not have any significant effect on splicing. Based on the available evidence, the clinical significance of this variant remains unclear.

Labcorp Genetics (formerly Invitae), Labcorp
Classification: Likely benign for Neurofibromatosis, type 1. Last evaluated: 2023-09-03. Review status: criteria provided, single submitter. Criteria: Invitae Variant Classification Sherloc (09022015). Collection method: clinical testing. Allele origin: germline.